The following is an entry in ClinVar:

ClinVar aggregate classification (germline): Uncertain significance (1 of 4 stars; one submission).

Conditions:
Familial adenomatous polyposis 1 (FAP1). Also called: FAMILIAL ADENOMATOUS POLYPOSIS 1, ATTENUATED; POLYPOSIS, ADENOMATOUS INTESTINAL. Identifiers: MedGen C2713442, MONDO:0021056, OMIM 175100. Disease mechanism: loss of function.

Submission:

Labcorp Genetics (formerly Invitae), Labcorp
Classification: Uncertain significance for Familial adenomatous polyposis 1. Last evaluated: 2025-03-19. Review status: criteria provided, single submitter. Criteria: Invitae Variant Classification Sherloc (09022015). Collection method: clinical testing. Allele origin: germline.
Comment: This sequence change replaces aspartic acid, which is acidic and polar, with glycine, which is neutral and non-polar, at codon 1486 of the APC protein (p.Asp1486Gly). This variant is not present in population databases (gnomAD no frequency). This variant has not been reported in the literature in individuals affected with APC-related conditions. Invitae Evidence Modeling of protein sequence and biophysical properties (such as structural, functional, and spatial information, amino acid conservation, physicochemical variation, residue mobility, and thermodynamic stability) indicates that this missense variant is not expected to disrupt APC protein function with a negative predictive value of 95%. In summary, the available evidence is currently insufficient to determine the role of this variant in disease. Therefore, it has been classified as a Variant of Uncertain Significance.

NM_000038.6(APC):c.4457A>G (p.Asp1486Gly)

Gene: APC (APC regulator of Wnt signaling pathway; plus strand). Cytogenetic location: 5q22.2.
Variant type: single nucleotide variant.
Coding change: c.4457A>G on transcript NM_000038.6 (MANE Select); coding-DNA position 4457, A replaced by G.
Protein change: p.Asp1486Gly; replaces aspartic acid 1486 with glycine.
Molecular consequence: missense variant. On other transcripts: non-coding transcript variant (2).
Genome position (GRCh38, 1-based): chr5:112,840,051, A>G. VCF-style: chr5-112840051-A-G. GRCh37 (hg19) VCF-style: chr5-112175748-A-G.
Other names: c.4457A>G, p.Asp1486Gly (NM_001127510.3, NM_001354895.2, NM_001407450.1); c.4403A>G, p.Asp1468Gly (NM_001127511.3); c.4511A>G, p.Asp1504Gly (NM_001354896.2, NM_001407447.1, NM_001407448.1 and 1 more transcripts); c.4487A>G, p.Asp1496Gly (NM_001354897.2); c.4382A>G, p.Asp1461Gly (NM_001354898.2); c.4373A>G, p.Asp1458Gly (NM_001354899.2); c.4334A>G, p.Asp1445Gly (NM_001354900.2); c.4280A>G, p.Asp1427Gly (NM_001354901.2, NM_001407453.1); and 11 more; short protein forms D1102G, D1203G, D1326G, D1357G, D1360G, D1385G, D1395G, D1403G.
Identifiers: ClinVar variation 4801485 (VCV004801485.1).